The following is an entry in ClinVar:

NM_001044385.3(TMEM237):c.91C>T (p.Leu31Phe)

Gene: TMEM237 (transmembrane protein 237; minus strand). Cytogenetic location: 2q33.1.
Variant type: single nucleotide variant.
Coding change: c.91C>T on transcript NM_001044385.3 (MANE Select); coding-DNA position 91, C replaced by T.
Protein change: p.Leu31Phe; replaces leucine 31 with phenylalanine.
Molecular consequence: missense variant.
Genome position (GRCh38, 1-based): chr2:201,639,034, G>A on the plus strand (C>T on the coding strand, the complement: TMEM237 is on the minus strand). VCF-style: chr2-201639034-G-A. GRCh37 (hg19) VCF-style: chr2-202503757-G-A.
Other names: c.91C>T (NM_001044385.2); c.67C>T, p.Leu23Phe (NM_152388.4); short protein forms L23F, L31F.
Identifiers: ClinVar variation 2194411 (VCV002194411.5), dbSNP rs1458601695, ClinGen allele CA350316235.

ClinVar aggregate classification (germline): Uncertain significance. Review status: criteria provided, multiple submitters, no conflicts (2 of 4 stars). 2 submissions from 2 submitters: Uncertain significance (2). Last evaluated 2024-02-05.

Conditions:
Joubert syndrome 14 (JBTS14). Identifiers: MedGen C3280766, MONDO:0013745, OMIM 614424.

Allele frequency attached by ClinVar (database versions not stated): TOPMed below 0.00001; gnomAD exomes 0.00001.
gnomAD v4.1: 5 of 1,581,162 alleles (0.00032%); highest among the groups gnomAD compares: Admixed American, 0.0092%; no homozygotes.

Submissions (2):

Labcorp Genetics (formerly Invitae), Labcorp
Classification: Uncertain significance for Joubert syndrome 14. Last evaluated: 2024-02-05. Review status: criteria provided, single submitter. Criteria: Invitae Variant Classification Sherloc (09022015). Collection method: clinical testing. Allele origin: germline.
Comment: This sequence change replaces leucine, which is neutral and non-polar, with phenylalanine, which is neutral and non-polar, at codon 31 of the TMEM237 protein (p.Leu31Phe). The frequency data for this variant in the population databases is considered unreliable, as metrics indicate poor data quality at this position in the gnomAD database. This variant has not been reported in the literature in individuals affected with TMEM237-related conditions. ClinVar contains an entry for this variant (Variation ID: 2194411). Advanced modeling of protein sequence and biophysical properties (such as structural, functional, and spatial information, amino acid conservation, physicochemical variation, residue mobility, and thermodynamic stability) performed at Invitae indicates that this missense variant is not expected to disrupt TMEM237 protein function with a negative predictive value of 80%. In summary, the available evidence is currently insufficient to determine the role of this variant in disease. Therefore, it has been classified as a Variant of Uncertain Significance.

GeneDx
Classification: Uncertain significance. Last evaluated: 2023-02-13. Review status: criteria provided, single submitter. Criteria: GeneDx Variant Classification Process June 2021. Collection method: clinical testing. Allele origin: germline. Affected: yes.
Comment: Not observed at significant frequency in large population cohorts (gnomAD); In silico analysis supports that this missense variant does not alter protein structure/function; Has not been previously published as pathogenic or benign to our knowledge